The following is an entry in ClinVar:

ClinVar aggregate classification (germline): Benign. Review status: criteria provided, multiple submitters, no conflicts (2 of 4 stars). 4 submissions from 4 submitters: Benign (3). 1 of the submissions does not count toward it. Last evaluated 2025-12-17.

Conditions:
Holoprosencephaly 11 (HPE11). Identifiers: Orphanet 2162, MedGen C3280215, MONDO:0013642, OMIM 614226.
CDON-related disorder. Also called: CDON-related condition.

Allele frequency attached by ClinVar (database versions not stated): gnomAD exomes 0.00052 and 0.00154; ExAC 0.00193; gnomAD 0.00529 and 0.00553; ESP Exome Variant Server 0.00554; TOPMed 0.00606; 1000 Genomes Project 30x 0.00874; 1000 Genomes Project 0.00899.
gnomAD v4.1: 1,594 of 1,614,040 alleles (0.099%); highest among the groups gnomAD compares: African/African-American, 1.8%; 21 homozygotes.

Submissions (4):

Labcorp Genetics (formerly Invitae), Labcorp
Classification: Benign for Holoprosencephaly 11. Last evaluated: 2025-12-17. Review status: criteria provided, single submitter. Criteria: Invitae Variant Classification Sherloc (09022015). Collection method: clinical testing. Allele origin: germline.

ARUP Laboratories, Molecular Genetics and Genomics, ARUP Laboratories
Classification: Benign for Holoprosencephaly 11. Last evaluated: 2023-11-06. Review status: criteria provided, single submitter. Criteria: ARUP Molecular Germline Variant Investigation Process 2024. Collection method: clinical testing. Allele origin: germline.

Illumina Laboratory Services, Illumina
Classification: Benign for Holoprosencephaly 11. Last evaluated: 2018-01-12. Review status: criteria provided, single submitter. Criteria: ICSL Variant Classification Criteria 13 December 2019. Collection method: clinical testing. Allele origin: germline.
Comment: This variant was observed in the ICSL laboratory as part of a predisposition screen in an ostensibly healthy population. It had not been previously curated by ICSL or reported in the Human Gene Mutation Database (HGMD: prior to June 1st, 2018), and was therefore a candidate for classification through an automated scoring system. Utilizing variant allele frequency, disease prevalence and penetrance estimates, and inheritance mode, an automated score was calculated to assess if this variant is too frequent to cause the disease. Based on the score and internal cut-off values, a variant classified as benign is not then subjected to further curation. The score for this variant resulted in a classification of benign for this disease.

PreventionGenetics, part of Exact Sciences
Classification: Benign for CDON-related condition. Last evaluated: 2019-04-18. Review status: no assertion criteria provided. Collection method: clinical testing. Allele origin: germline. Not counted in ClinVar's aggregate classification.
Comment: This variant is classified as benign based on ACMG/AMP sequence variant interpretation guidelines (Richards et al. 2015 PMID: 25741868, with internal and published modifications).

NM_001378964.1(CDON):c.3588C>T (p.Asp1196=)

Gene: CDON (cell adhesion associated, oncogene regulated; minus strand). Cytogenetic location: 11q24.2.
Variant type: single nucleotide variant.
Coding change: c.3588C>T on transcript NM_001378964.1 (MANE Select); coding-DNA position 3588, C replaced by T.
Protein change: p.Asp1196=; no amino-acid change (aspartic acid 1196 retained).
Molecular consequence: synonymous variant.
Genome position (GRCh38, 1-based): chr11:125,961,767, G>A on the plus strand (C>T on the coding strand, the complement: CDON is on the minus strand). VCF-style: chr11-125961767-G-A. GRCh37 (hg19) VCF-style: chr11-125831662-G-A.
Other names: c.3588C>T, p.Asp1196= (NM_001243597.3, NM_016952.6).
Identifiers: ClinVar variation 303491 (VCV000303491.22), dbSNP rs140895899, ClinGen allele CA6351373.